The following is an entry in ClinVar:

NM_014140.4(SMARCAL1):c.755T>C (p.Ile252Thr)

Gene: SMARCAL1 (SNF2 related chromatin remodeling annealing helicase 1; plus strand). Cytogenetic location: 2q35.
Variant type: single nucleotide variant.
Coding change: c.755T>C on transcript NM_014140.4 (MANE Select); coding-DNA position 755, T replaced by C.
Protein change: p.Ile252Thr; replaces isoleucine 252 with threonine.
Molecular consequence: missense variant.
Genome position (GRCh38, 1-based): chr2:216,415,459, T>C. VCF-style: chr2-216415459-T-C. GRCh37 (hg19) VCF-style: chr2-217280182-T-C.
Other names: c.755T>C, p.Ile252Thr (NM_001127207.2); short protein forms I252T.
Identifiers: ClinVar variation 1033662 (VCV001033662.1), dbSNP rs1693575527, ClinGen allele CA350497981.
Genomic context (GRCh38, chr2:216,415,459, plus strand): 5'-AAGGAGTGAACTCTCAGAAGGGAAAGTGCGTAAGGAACGGCGATCGTTTCCAGGTGTTGA[T>C]TGGGTACAATGCGGAACTCATTGCAGTGTTTAAGACCCTGCCCAGCAAGAATTATGGTAA-3'
Protein context (NP_054859.2, residues 242-262): VRNGDRFQVL[Ile252Thr]GYNAELIAVF

ClinVar aggregate classification (germline): Uncertain significance (1 of 4 stars; one submission).

Conditions:
Schimke immuno-osseous dysplasia (SIOD). Also called: Schimke Immunoosseous Dysplasia. Identifiers: Orphanet 1830, MedGen C0877024, MONDO:0009458, OMIM 242900.

Allele frequency attached by ClinVar (database versions not stated): gnomAD exomes below 0.00001.
gnomAD v4.1: 6 of 1,614,034 alleles (0.00037%); highest among the groups gnomAD compares: South Asian, 0.0055%; no homozygotes.

Submission:

Baylor Genetics
Classification: Uncertain significance for Schimke immuno-osseous dysplasia. Last evaluated: 2018-12-24. Review status: criteria provided, single submitter. Criteria: ACMG Guidelines, 2015. Collection method: clinical testing. Allele origin: unknown. Affected: yes.
Comment: This variant was determined to be of uncertain significance according to ACMG Guidelines, 2015 [PMID:25741868].